The following is an entry in ClinVar:

NM_000083.3(CLCN1):c.411delinsGGA (p.Tyr137Ter)

Gene: CLCN1 (chloride voltage-gated channel 1; plus strand). Cytogenetic location: 7q34.
Variant type: Indel.
Coding change: c.411delinsGGA on transcript NM_000083.3 (MANE Select); coding-DNA position 411, C replaced by GGA.
Protein change: p.Tyr137Ter; replaces tyrosine 137 with a stop codon.
Molecular consequence: nonsense. On other transcripts: non-coding transcript variant (1).
Genome position (GRCh38, 1-based): chr7:143,320,773, C replaced by GGA. VCF-style: chr7-143320773-C-GGA. GRCh37 (hg19) VCF-style: chr7-143017866-C-GGA.
Other names: short protein forms Y137*.
Identifiers: ClinVar variation 804707 (VCV000804707.8), dbSNP rs1586484463, ClinGen allele CA915945540.

ClinVar aggregate classification (germline): Pathogenic/Likely pathogenic. Review status: criteria provided, multiple submitters, no conflicts (2 of 4 stars). 3 submissions from 3 submitters: Pathogenic (2); Likely pathogenic (1). Last evaluated 2019-04-15.

Conditions:
Congenital myotonia, autosomal recessive form. Also called: Becker Generalized Myotonia; myotonia congenita, autosomal recessive; BECKER DISEASE. Identifiers: Orphanet 614, MedGen C0751360, MONDO:0009715, OMIM 255700.
Congenital myotonia, autosomal dominant form (THD). Also called: THOMSEN DISEASE; Myotonia congenita autosomal dominant. Identifiers: Orphanet 614, MedGen C2936781, MONDO:0008055, OMIM 160800.

Submissions (3):

GeneDx
Classification: Pathogenic. Last evaluated: 2019-04-15. Review status: criteria provided, single submitter. Criteria: GeneDx Variant Classification Process June 2021. Collection method: clinical testing. Allele origin: germline. Affected: yes.
Comment: Nonsense variant predicted to result in protein truncation in a gene for which loss-of-function is a known mechanism of disease; Not observed at a significant frequency in large population cohorts (Lek et al., 2016); Has not been previously published as pathogenic or benign to our knowledge; This variant is associated with the following publications: (PMID: 29606556, 18337730)

Labcorp Genetics (formerly Invitae), Labcorp
Classification: Pathogenic for Congenital myotonia, autosomal recessive form; Congenital myotonia, autosomal dominant form. Last evaluated: 2019-01-12. Review status: criteria provided, single submitter. Criteria: Invitae Variant Classification Sherloc (09022015). Collection method: clinical testing. Allele origin: germline.
Comment: This sequence change creates a premature translational stop signal (p.Tyr137*) in the CLCN1 gene. It is expected to result in an absent or disrupted protein product. This variant is not present in population databases (ExAC no frequency). This variant has not been reported in the literature in individuals with CLCN1-related conditions, however, a different variant (c.411C>G) giving rise to the same protein effect observed here (p.Tyr137*) has been reported in combination with another CLCN1 variant in a family affected with myotonia congenita (PMID: 18337730). Loss-of-function variants in CLCN1 are known to be pathogenic (PMID: 17932099, 22094069, 23739125). For these reasons, this variant has been classified as Pathogenic.

Athena Diagnostics
Classification: Likely pathogenic. Last evaluated: 2018-12-31. Review status: criteria provided, single submitter. Criteria: Athena Diagnostics Criteria. Collection method: clinical testing. Allele origin: germline.
Comment: The variant results in a shift of the reading frame, and is therefore predicted to result in the loss of a functional protein. The best available variant frequency is uninformative because there are too few occurrences in population data.

Literature cited by the submitters: PubMed 18337730 (cited by Labcorp Genetics (formerly Invitae), Labcorp); PubMed 17932099 (cited by Labcorp Genetics (formerly Invitae), Labcorp); PubMed 22094069 (cited by Labcorp Genetics (formerly Invitae), Labcorp); PubMed 23739125 (cited by Labcorp Genetics (formerly Invitae), Labcorp).